The following is an entry in ClinVar:

ClinVar aggregate classification (germline): Uncertain significance. Review status: criteria provided, multiple submitters, no conflicts (2 of 4 stars). 2 submissions from 2 submitters: Uncertain significance (2). Last evaluated 2023-12-21.

Conditions:
Inborn genetic diseases. Identifiers: MedGen C0950123, MeSH D030342.
Charcot-Marie-Tooth Neuropathy X. Identifiers: MedGen CN118851.
Combined oxidative phosphorylation deficiency. Identifiers: MedGen C4540031, MONDO:0000732.

Allele frequency attached by ClinVar (database versions not stated): gnomAD exomes below 0.00001.
gnomAD v4.1: 2 of 1,211,560 alleles (0.00017%); highest among the groups gnomAD compares: Non-Finnish European, 0.00022%; no homozygotes.

Submissions (2):

Ambry Genetics
Classification: Uncertain significance for Inborn genetic diseases. Last evaluated: 2023-12-21. Review status: criteria provided, single submitter. Criteria: Ambry Variant Classification Scheme 2023. Collection method: clinical testing. Allele origin: germline.

Labcorp Genetics (formerly Invitae), Labcorp
Classification: Uncertain significance for Charcot-Marie-Tooth Neuropathy X; Combined oxidative phosphorylation deficiency. Last evaluated: 2023-09-25. Review status: criteria provided, single submitter. Criteria: Invitae Variant Classification Sherloc (09022015). Collection method: clinical testing. Allele origin: germline.
Comment: This sequence change replaces glutamic acid, which is acidic and polar, with glycine, which is neutral and non-polar, at codon 329 of the AIFM1 protein (p.Glu329Gly). This variant is not present in population databases (gnomAD no frequency). This variant has not been reported in the literature in individuals affected with AIFM1-related conditions. Advanced modeling of protein sequence and biophysical properties (such as structural, functional, and spatial information, amino acid conservation, physicochemical variation, residue mobility, and thermodynamic stability) has been performed at Invitae for this missense variant, however the output from this modeling did not meet the statistical confidence thresholds required to predict the impact of this variant on AIFM1 protein function. In summary, the available evidence is currently insufficient to determine the role of this variant in disease. Therefore, it has been classified as a Variant of Uncertain Significance.

NM_004208.4(AIFM1):c.986A>G (p.Glu329Gly)

Genes: AIFM1 (apoptosis inducing factor mitochondria associated 1; minus strand), RAB33A (RAB33A, member RAS oncogene family; plus strand). Cytogenetic location: Xq26.1.
Variant type: single nucleotide variant.
Coding change: c.986A>G on transcript NM_004208.4 (MANE Select); coding-DNA position 986, A replaced by G.
Protein change: p.Glu329Gly; replaces glutamic acid 329 with glycine.
Molecular consequence: missense variant. On other transcripts: 5 prime UTR variant (1), 3 prime UTR variant (1), non-coding transcript variant (1).
Genome position (GRCh38, 1-based): chrX:130,137,167, T>C on the plus strand (A>G on the coding strand, the complement: AIFM1 is on the minus strand). VCF-style: chrX-130137167-T-C. GRCh37 (hg19) VCF-style: chrX-129271142-T-C.
Other names: c.986A>G (NM_004208.3); c.-32A>G (NM_001130846.4); c.*214A>G (NM_001130847.4); c.974A>G, p.Glu325Gly (NM_145812.3); short protein forms E329G, E325G.
Identifiers: ClinVar variation 2937443 (VCV002937443.4), dbSNP rs2523121148, ClinGen allele CA414580052.